The following is an entry in ClinVar:

NM_000701.8(ATP1A1):c.1580A>C (p.Glu527Ala)

Genes: ATP1A1 (ATPase Na+/K+ transporting subunit alpha 1; plus strand), ATP1A1-AS1 (ATP1A1 antisense RNA 1; minus strand). Cytogenetic location: 1p13.1.
Variant type: single nucleotide variant.
Coding change: c.1580A>C on transcript NM_000701.8 (MANE Select); coding-DNA position 1580, A replaced by C.
Protein change: p.Glu527Ala; replaces glutamic acid 527 with alanine.
Molecular consequence: missense variant.
Genome position (GRCh38, 1-based): chr1:116,393,643, A>C. VCF-style: chr1-116393643-A-C. GRCh37 (hg19) VCF-style: chr1-116936265-A-C.
Other names: c.1580A>C, p.Glu527Ala (NM_001160233.2); c.1487A>C, p.Glu496Ala (NM_001160234.2); short protein forms E496A, E527A.
Identifiers: ClinVar variation 3692775 (VCV003692775.3).

ClinVar aggregate classification (germline): Uncertain significance. Review status: criteria provided, multiple submitters, no conflicts (2 of 4 stars). 2 submissions from 2 submitters: Uncertain significance (2). Last evaluated 2025-08-29.

Submissions (2):

GeneDx
Classification: Uncertain significance. Last evaluated: 2025-08-29. Review status: criteria provided, single submitter. Criteria: GeneDx Variant Classification Process June 2021. Collection method: clinical testing. Allele origin: germline. Affected: yes.
Comment: Not observed at significant frequency in large population cohorts (gnomAD); In silico analysis supports that this missense variant has a deleterious effect on protein structure/function; Has not been previously published as pathogenic or benign to our knowledge

Labcorp Genetics (formerly Invitae), Labcorp
Classification: Uncertain significance. Last evaluated: 2024-02-01. Review status: criteria provided, single submitter. Criteria: Invitae Variant Classification Sherloc (09022015). Collection method: clinical testing. Allele origin: germline.
Comment: This sequence change replaces glutamic acid, which is acidic and polar, with alanine, which is neutral and non-polar, at codon 527 of the ATP1A1 protein (p.Glu527Ala). This variant is not present in population databases (gnomAD no frequency). This variant has not been reported in the literature in individuals affected with ATP1A1-related conditions. Advanced modeling of protein sequence and biophysical properties (such as structural, functional, and spatial information, amino acid conservation, physicochemical variation, residue mobility, and thermodynamic stability) performed at Invitae indicates that this missense variant is not expected to disrupt ATP1A1 protein function with a negative predictive value of 80%. In summary, the available evidence is currently insufficient to determine the role of this variant in disease. Therefore, it has been classified as a Variant of Uncertain Significance.